The following is an entry in ClinVar:

NM_004525.3(LRP2):c.8346CAC[1] (p.Thr2784del)

Gene: LRP2 (LDL receptor related protein 2; minus strand). Cytogenetic location: 2q31.1.
Variant type: Microsatellite.
Coding change: c.8346CAC[1] on transcript NM_004525.3 (MANE Select); one copy of the 3-base unit CAC starting at c.8346; the reference has two copies in a row; one copy, 3 bases deleted.
Protein change: p.Thr2784del; deletes threonine 2784.
Genome position (GRCh38, 1-based): chr2:169,201,729-169,201,731, GTG deleted on the plus strand (CAC on the coding strand, the reverse complement: LRP2 is on the minus strand); deleting any 3 consecutive bases within chr2:169,201,729-169,201,735 gives the same sequence; the position shown is the placement nearest the transcript's 3' end. VCF-style (leftmost placement, unchanged base first): chr2-169201728-CGTG-C. GRCh37 (hg19) VCF-style: chr2-170058238-CGTG-C.
Other names: short protein forms T2784del.
Identifiers: ClinVar variation 3360067 (VCV003360067.1).

ClinVar aggregate classification (germline): Uncertain significance (1 of 4 stars; one submission).

Submission:

GeneDx
Classification: Uncertain significance. Last evaluated: 2023-06-16. Review status: criteria provided, single submitter. Criteria: GeneDx Variant Classification Process June 2021. Collection method: clinical testing. Allele origin: germline. Affected: yes.
Comment: Not observed at significant frequency in large population cohorts (gnomAD); In-frame deletion of 1 amino acid in a non-repeat region; In silico analysis supports that this variant does not alter protein structure/function; Has not been previously published as pathogenic or benign to our knowledge